The following is an entry in ClinVar:

NM_001009944.3(PKD1):c.12461G>A (p.Arg4154His)

Gene: PKD1 (polycystin 1, transient receptor potential channel interacting; minus strand). Cytogenetic location: 16p13.3.
Variant type: single nucleotide variant.
Coding change: c.12461G>A on transcript NM_001009944.3 (MANE Select); coding-DNA position 12461, G replaced by A.
Protein change: p.Arg4154His; replaces arginine 4154 with histidine.
Molecular consequence: missense variant.
Genome position (GRCh38, 1-based): chr16:2,090,178, C>T on the plus strand (G>A on the coding strand, the complement: PKD1 is on the minus strand). VCF-style: chr16-2090178-C-T. GRCh37 (hg19) VCF-style: chr16-2140179-C-T.
Other names: c.12458G>A, p.Arg4153His (NM_000296.4); short protein forms R4153H, R4154H.
Identifiers: ClinVar variation 2576021 (VCV002576021.1), dbSNP rs2091413681, ClinGen allele CA394322829.

ClinVar aggregate classification (germline): Uncertain significance (1 of 4 stars; one submission).

Allele frequency attached by ClinVar (database versions not stated): TOPMed below 0.00001; gnomAD 0.00001.
gnomAD v4.1: 6 of 1,602,208 alleles (0.00037%); highest among the groups gnomAD compares: African/African-American, 0.0013%; no homozygotes.

Submission:

Institute for Clinical Genetics, University Hospital TU Dresden, University Hospital TU Dresden
Classification: Uncertain significance. Last evaluated: 2022-11-01. Review status: criteria provided, single submitter. Criteria: ACMG Guidelines, 2015. Collection method: clinical testing. Allele origin: germline.
Comment: PM5, PM2_SUP